The following is an entry in ClinVar:

NM_001277115.2(DNAH11):c.11521C>T (p.Arg3841Ter)

Gene: DNAH11 (dynein axonemal heavy chain 11; plus strand). Cytogenetic location: 7p15.3.
Variant type: single nucleotide variant.
Coding change: c.11521C>T on transcript NM_001277115.2 (MANE Select); coding-DNA position 11521, C replaced by T.
Protein change: p.Arg3841Ter; replaces arginine 3841 with a stop codon.
Molecular consequence: nonsense.
Genome position (GRCh38, 1-based): chr7:21,866,494, C>T. VCF-style: chr7-21866494-C-T. GRCh37 (hg19) VCF-style: chr7-21906112-C-T.
Other names: NM_001277115.2(DNAH11):c.11521C>T; p.Arg3841Ter; short protein forms R3841*.
Identifiers: ClinVar variation 1074145 (VCV001074145.10), dbSNP rs988794959, ClinGen allele CA366961876.
Genomic context (GRCh38, chr7:21,866,494, plus strand): 5'-CACACCATTCCTACTTGTTTCCCTATCATATTACAGGCAATTGCCGTCATGGAAGAATTT[C>T]GAGGCATAGACCGAGATGTGGAAGGATCTGCCAAGCAGTGGAGGAAGTGGGTAGAATCCG-3'

ClinVar aggregate classification (germline): Conflicting classifications of pathogenicity. Review status: criteria provided, conflicting classifications (1 of 4 stars). 4 submissions from 4 submitters: Pathogenic (1); Likely pathogenic (2); Uncertain significance (1). Last evaluated 2025-11-17.

Conditions:
Primary ciliary dyskinesia. Also called: Ciliary dyskinesia. Identifiers: Orphanet 244, MedGen C0008780, MONDO:0016575, HP:0012265.
Primary ciliary dyskinesia 7. Also called: CILIARY DYSKINESIA, PRIMARY, 7, WITH OR WITHOUT SITUS INVERSUS. Identifiers: Orphanet 244, MedGen C2678473, MONDO:0012748, OMIM 611884.

Allele frequency attached by ClinVar (database versions not stated): gnomAD exomes 0.00001.
gnomAD v4.1: 5 of 1,611,298 alleles (0.00031%); highest among the groups gnomAD compares: Admixed American, 0.0034%; no homozygotes.

Submissions (4):

Labcorp Genetics (formerly Invitae), Labcorp
Classification: Pathogenic for Primary ciliary dyskinesia. Last evaluated: 2025-11-17. Review status: criteria provided, single submitter. Criteria: Invitae Variant Classification Sherloc (09022015). Collection method: clinical testing. Allele origin: germline.
Comment: This sequence change creates a premature translational stop signal (p.Arg3841*) in the DNAH11 gene. It is expected to result in an absent or disrupted protein product. Loss-of-function variants in DNAH11 are known to be pathogenic (PMID: 18022865, 20513915, 22184204). This variant is present in population databases (no rsID available, gnomAD 0.006%). This variant has not been reported in the literature in individuals affected with DNAH11-related conditions. ClinVar contains an entry for this variant (Variation ID: 1074145). For these reasons, this variant has been classified as Pathogenic.

Broad Center for Mendelian Genomics, Broad Institute of MIT and Harvard
Classification: Likely pathogenic for Primary ciliary dyskinesia 7. Last evaluated: 2025-02-19. Review status: criteria provided, single submitter. Criteria: ACMG Guidelines, 2015. Collection method: curation. Allele origin: germline. Inheritance: Autosomal recessive inheritance.
Comment: The p.Arg3841Ter variant in DNAH11 has not been previously reported in the literature in individuals with primary ciliary dyskinesia, but has been identified in 0.003% (2/59352) of Admixed American chromosomes by the Genome Aggregation Database (gnomAD; dbSNP rs988794959). Although this variant has been seen in the general population in a heterozygous state, its frequency is low enough to be consistent with a recessive carrier frequency. This variant has also been reported in ClinVar (Variation ID: 1074145) and has been interpreted as a variant of uncertain significance by GeneDx and pathogenic by Invitae. This nonsense variant leads to a premature termination codon at position 3841, which is predicted to lead to a truncated or absent protein. Loss of function of the DNAH11 gene is an established disease mechanism in autosomal recessive primary ciliary dyskinesia. In summary, although additional studies are required to fully establish its clinical significance, this variant is likely pathogenic for autosomal recessive primary ciliary dyskinesia. ACMG/AMP Criteria applied: PVS1, PM2_supporting (Richards 2015).

Fulgent Genetics
Classification: Likely pathogenic for Primary ciliary dyskinesia 7. Last evaluated: 2024-04-12. Review status: criteria provided, single submitter. Criteria: ACMG Guidelines, 2015. Collection method: clinical testing. Allele origin: germline.

GeneDx
Classification: Uncertain significance. Last evaluated: 2022-06-17. Review status: criteria provided, single submitter. Criteria: GeneDx Variant Classification Process June 2021. Collection method: clinical testing. Allele origin: germline. Affected: yes.
Comment: Nonsense variant predicted to result in protein truncation or nonsense mediated decay in a gene for which loss of function is a known mechanism of disease; Has not been previously published as pathogenic or benign to our knowledge

Literature cited by the submitters: PubMed 18022865 (cited by Labcorp Genetics (formerly Invitae), Labcorp); PubMed 20513915 (cited by Labcorp Genetics (formerly Invitae), Labcorp); PubMed 22184204 (cited by Labcorp Genetics (formerly Invitae), Labcorp).